The following is an entry in ClinVar:

ClinVar aggregate classification (germline): Uncertain significance (1 of 4 stars; one submission).

Conditions:
Hereditary cancer-predisposing syndrome. Also called: Neoplastic Syndromes, Hereditary; Tumor predisposition; Hereditary Cancer Syndrome; Hereditary neoplastic syndrome. Identifiers: Orphanet 140162, MedGen C0027672, MeSH D009386, MONDO:0015356.

Submission:

Ambry Genetics
Classification: Uncertain significance for Hereditary cancer-predisposing syndrome. Last evaluated: 2025-12-21. Review status: criteria provided, single submitter. Criteria: Ambry Variant Classification Scheme 2023. Collection method: clinical testing. Allele origin: germline.
Comment: The p.D869Y variant (also known as c.2605G>T), located in coding exon 18 of the PDGFRA gene, results from a G to T substitution at nucleotide position 2605. The aspartic acid at codon 869 is replaced by tyrosine, an amino acid with highly dissimilar properties. This amino acid position is conserved. In addition, this alteration is predicted to be deleterious by in silico analysis. Since supporting evidence is limited at this time, the clinical significance of this alteration remains unclear.

NM_006206.6(PDGFRA):c.2605G>T (p.Asp869Tyr)

Gene: PDGFRA (platelet derived growth factor receptor alpha; plus strand). Cytogenetic location: 4q12.
Variant type: single nucleotide variant.
Coding change: c.2605G>T on transcript NM_006206.6 (MANE Select); coding-DNA position 2605, G replaced by T.
Protein change: p.Asp869Tyr; replaces aspartic acid 869 with tyrosine.
Molecular consequence: missense variant.
Genome position (GRCh38, 1-based): chr4:54,287,472, G>T. VCF-style: chr4-54287472-G-T. GRCh37 (hg19) VCF-style: chr4-55153639-G-T.
Other names: c.2680G>T, p.Asp894Tyr (NM_001347828.2); c.2605G>T, p.Asp869Tyr (NM_001347829.2); c.2644G>T, p.Asp882Tyr (NM_001347830.2); short protein forms D869Y, D894Y, D882Y.
Identifiers: ClinVar variation 2453852 (VCV002453852.3), dbSNP rs2110341381, ClinGen allele CA356895225.
Genomic context (GRCh38, chr4:54,287,472, plus strand): 5'-CTCCCTCCTTCCTTGCAGACCTTTCTGCCCGTGAAGTGGATGGCTCCTGAGAGCATCTTT[G>T]ACAACCTCTACACCACACTGAGTGATGTCTGGTCTTATGGCATTCTGCTCTGGGAGATCT-3'
Protein context (NP_006197.1, residues 859-879): VKWMAPESIF[Asp869Tyr]NLYTTLSDVW